The following is an entry in ClinVar:

NM_000419.5(ITGA2B):c.2794G>A (p.Ala932Thr)

Gene: ITGA2B (integrin subunit alpha 2b; minus strand). Cytogenetic location: 17q21.31.
Variant type: single nucleotide variant.
Coding change: c.2794G>A on transcript NM_000419.5 (MANE Select); coding-DNA position 2794, G replaced by A.
Protein change: p.Ala932Thr; replaces alanine 932 with threonine.
Molecular consequence: missense variant.
Genome position (GRCh38, 1-based): chr17:44,375,045, C>T on the plus strand (G>A on the coding strand, the complement: ITGA2B is on the minus strand). VCF-style: chr17-44375045-C-T. GRCh37 (hg19) VCF-style: chr17-42452413-C-T.
Other names: short protein forms A932T.
Identifiers: ClinVar variation 2756719 (VCV002756719.3), dbSNP rs944327941, ClinGen allele CA290946489.

ClinVar aggregate classification (germline): Uncertain significance (1 of 4 stars; one submission).

Conditions:
Glanzmann thrombasthenia. Also called: BLEEDING DISORDER, PLATELET-TYPE, 2; THROMBASTHENIA OF GLANZMANN AND NAEGELI; PLATELET GLYCOPROTEIN IIb-IIIa DEFICIENCY; Thrombasthenia; Glanzmann's thrombasthenia. Identifiers: Orphanet 849, MedGen C0040015, MONDO:0100326.

Allele frequency attached by ClinVar (database versions not stated): gnomAD 0.00003.
gnomAD v4.1: 78 of 1,545,478 alleles (0.005%); highest among the groups gnomAD compares: Non-Finnish European, 0.0066%; no homozygotes.

Submission:

Labcorp Genetics (formerly Invitae), Labcorp
Classification: Uncertain significance for Glanzmann thrombasthenia. Last evaluated: 2023-06-09. Review status: criteria provided, single submitter. Criteria: Invitae Variant Classification Sherloc (09022015). Collection method: clinical testing. Allele origin: germline.
Comment: This sequence change replaces alanine, which is neutral and non-polar, with threonine, which is neutral and polar, at codon 932 of the ITGA2B protein (p.Ala932Thr). This variant has not been reported in the literature in individuals affected with ITGA2B-related conditions. The frequency data for this variant in the population databases is considered unreliable, as metrics indicate poor data quality at this position in the gnomAD database. Advanced modeling of protein sequence and biophysical properties (such as structural, functional, and spatial information, amino acid conservation, physicochemical variation, residue mobility, and thermodynamic stability) performed at Invitae indicates that this missense variant is not expected to disrupt ITGA2B protein function. In summary, the available evidence is currently insufficient to determine the role of this variant in disease. Therefore, it has been classified as a Variant of Uncertain Significance.